The following is an entry in ClinVar:

ClinVar aggregate classification (germline): Uncertain significance. Review status: reviewed by expert panel (3 of 4 stars). 3 submissions from 3 submitters: Uncertain significance (1). 2 of the submissions do not count toward it. Last evaluated 2025-08-27.

Conditions:
Developmental and epileptic encephalopathy, 2 (DEE2). Also called: INFANTILE SPASM SYNDROME, X-LINKED 2; CDKL5 deficiency disorder. Identifiers: Orphanet 1934, Orphanet 3451, Orphanet 505652, MedGen C4750718, MONDO:0010396, OMIM 300672.
Angelman syndrome-like. Identifiers: MedGen CN128785.
CDKL5 disorder. Identifiers: MedGen CN296942, MONDO:0100039.

Submissions (3):

ClinGen Rett and Angelman-like Disorders Variant Curation Expert Panel
Classification: Uncertain significance for CDKL5 disorder. Last evaluated: 2025-08-27. Review status: reviewed by expert panel. Criteria: ClinGen RettAS ACMG Specifications CDKL5 V5.0.0. Collection method: curation. Allele origin: germline. Inheritance: X-linked inheritance.
Comment: The p.Lys432_Tyr433delinsAsn variant in CDKL5 is absent from gnomAD v4.1 (PM2_supporting). The p.Lys432_Tyr433delinsAsn variant causes a change in the length of 1 amino acid in the protein due to an in-frame deletion or insertion in a non-repeat region of CDKL5 (PM4_supporting). In summary, p.Lys432_Tyr433delinsAsn variant in CDKL5 is classified as a variant of uncertain significance based on the ACMG/AMP criteria (PM2_supporting, PM4_supporting). (CDKL5 Specifications v.5; curation approved on 8/27/25)

Labcorp Genetics (formerly Invitae), Labcorp
Classification: Uncertain significance for Developmental and epileptic encephalopathy, 2; Angelman syndrome-like. Last evaluated: 2024-05-15. Review status: criteria provided, single submitter. Criteria: Invitae Variant Classification Sherloc (09022015). Collection method: clinical testing. Allele origin: germline. Not counted in ClinVar's aggregate classification.
Comment: This variant, c.1296_1298del, results in the deletion of one amino acid(s) of the CDKL5 protein (p.Lys432_Tyr433delinsAsn), but otherwise preserves the integrity of the reading frame. This variant is not present in population databases (gnomAD no frequency). This variant has not been reported in the literature in individuals affected with CDKL5-related conditions. ClinVar contains an entry for this variant (Variation ID: 434662). Experimental studies and prediction algorithms are not available or were not evaluated, and the functional significance of this variant is currently unknown. In summary, the available evidence is currently insufficient to determine the role of this variant in disease. Therefore, it has been classified as a Variant of Uncertain Significance.

Genetic Services Laboratory, University of Chicago
Classification: Uncertain significance. Last evaluated: 2015-11-12. Review status: criteria provided, single submitter. Criteria: ACMG Guidelines, 2015. Collection method: clinical testing. Allele origin: germline. Affected: no. Not counted in ClinVar's aggregate classification.

NM_001323289.2(CDKL5):c.1296_1298del (p.Lys432_Tyr433delinsAsn)

Gene: CDKL5 (cyclin dependent kinase like 5; plus strand). Cytogenetic location: Xp22.13.
Variant type: Deletion.
Coding change: c.1296_1298del on transcript NM_001323289.2 (MANE Select); coding-DNA positions 1296 to 1298, 3 bases deleted (GTA; older notation c.1296_1298delGTA).
Protein change: p.Lys432_Tyr433delinsAsn.
Molecular consequence: inframe indel.
Genome position (GRCh38, 1-based): chrX:18,604,220-18,604,222, GTA deleted; deleting any 3 consecutive bases within chrX:18,604,219-18,604,222 gives the same sequence; the c. name uses the placement nearest the transcript's 3' end. VCF-style (leftmost placement, unchanged base first): chrX-18604218-AAGT-A. GRCh37 (hg19) VCF-style: chrX-18622338-AAGT-A.
Other names: c.1296_1298del, p.Lys432_Tyr433delinsAsn (NM_001037343.2, NM_003159.3).
Identifiers: ClinVar variation 434662 (VCV000434662.12), dbSNP rs1555951997, ClinGen allele CA645373290.
Genomic context (GRCh38, chrX:18,604,218, plus strand): 5'-AAGTCAAAAACAGAGTTTGATTTTAATATTGACCCAAAGCCTTCAGAAGGCCCAGGGACA[AAGT>A]ACCTCAAGTCAAACAGCAGATCTCAGCAGAACCGCCACTCATTCATGGAAAGCTCTCAAA-3'